The following is an entry in ClinVar:

ClinVar aggregate classification (germline): Conflicting classifications of pathogenicity. Review status: criteria provided, conflicting classifications (1 of 4 stars). 23 submissions from 19 submitters: Uncertain significance (1); Benign (14); Likely benign (3). 5 of the submissions do not count toward it. Last evaluated 2026-02-04.

Conditions:
Dilated cardiomyopathy 1G (CMD1G). Identifiers: Orphanet 154, MedGen C1858763, MONDO:0011400, OMIM 604145.
Autosomal recessive limb-girdle muscular dystrophy type 2J (LGMDR10). Also called: MUSCULAR DYSTROPHY, LIMB-GIRDLE, AUTOSOMAL RECESSIVE 10; Limb-girdle muscular dystrophy, type 2J. Identifiers: Orphanet 140922, MedGen C1837342, MONDO:0012127, OMIM 608807.
TTN-related disorder. Also called: TTN-related disorders; TTN-related condition; TTN-related disease.
Cardiovascular phenotype. Identifiers: MedGen CN230736.
Cardiomyopathy (CMYO). Also called: Cardiomyopathies. Identifiers: Orphanet 167848, MedGen C0878544, MONDO:0004994, HP:0001638. Inheritance: Various modes of inheritance.
Early-onset myopathy with fatal cardiomyopathy (CMYO5). Also called: CONGENITAL MYOPATHY 5 WITH CARDIOMYOPATHY; Salih Myopathy. Identifiers: Orphanet 289377, MedGen C2673677, MONDO:0012714, OMIM 611705. Disease mechanism: loss of function.
Tibial muscular dystrophy (TMD). Also called: Udd Distal Myopathy – Tibial Muscular Dystrophy; Tibial muscular dystrophy, tardive; UDD MYOPATHY. Identifiers: Orphanet 609, MedGen C1838244, MONDO:0010870, OMIM 600334.
Myopathy, myofibrillar, 9, with early respiratory failure (MFM9). Also called: Myopathy, distal, with early respiratory failure, autosomal dominant; Hereditary myopathy with early respiratory failure; MYOPATHY, PROXIMAL, WITH EARLY RESPIRATORY MUSCLE INVOLVEMENT; EDSTROM MYOPATHY. Identifiers: Orphanet 178464, Orphanet 34521, MedGen C1863599, MONDO:0011362, OMIM 603689.

Allele frequency attached by ClinVar (database versions not stated): 1000 Genomes Project 0.00459; gnomAD exomes 0.00133 and 0.00058; TOPMed 0.00597; 1000 Genomes Project 30x 0.00500; ESP Exome Variant Server 0.00561; ExAC 0.00155; gnomAD 0.00516.
gnomAD v4.1: 1,694 of 1,613,268 alleles (0.11%); highest among the groups gnomAD compares: African/African-American, 1.7%; 20 homozygotes.

Submissions (23):

Labcorp Genetics (formerly Invitae), Labcorp
Classification: Benign for Dilated cardiomyopathy 1G; Autosomal recessive limb-girdle muscular dystrophy type 2J. Last evaluated: 2026-02-04. Review status: criteria provided, single submitter. Criteria: Invitae Variant Classification Sherloc (09022015). Collection method: clinical testing. Allele origin: germline.

ARUP Laboratories, Molecular Genetics and Genomics, ARUP Laboratories
Classification: Benign. Last evaluated: 2025-05-20. Review status: criteria provided, single submitter. Criteria: ARUP Molecular Germline Variant Investigation Process 2024. Collection method: clinical testing. Allele origin: germline.

Molecular Diagnostic Laboratory for Inherited Cardiovascular Disease, Montreal Heart Institute
Classification: Likely benign. Last evaluated: 2025-04-09. Review status: criteria provided, single submitter. Criteria: ACMG Guidelines, 2015. Collection method: clinical testing. Allele origin: germline. Affected: no.

Blueprint Genetics
Classification: Likely benign. Last evaluated: 2024-11-26. Review status: criteria provided, single submitter. Criteria: ACMG Guidelines, 2015. Collection method: clinical testing. Allele origin: germline.

Women's Health and Genetics/Laboratory Corporation of America, LabCorp
Classification: Benign. Last evaluated: 2019-10-30. Review status: criteria provided, single submitter. Criteria: LabCorp Variant Classification Summary - May 2015. Collection method: clinical testing. Allele origin: germline.
Comment: Variant summary: TTN c.71615G>A (p.Arg23872His) results in a non-conservative amino acid change located in the A-band domain of the encoded protein sequence. Three of five in-silico tools predict a benign effect of the variant on protein function. The variant allele was found at a frequency of 0.0013 in 248036 control chromosomes, predominantly at a frequency of 0.015 within the African or African-American subpopulation in the gnomAD database, including 1 homozygotes. The observed variant frequency within African or African-American control individuals in the gnomAD database is approximately 24 fold of the estimated maximal expected allele frequency for a pathogenic variant in TTN causing Cardiomyopathy phenotype (0.00063), strongly suggesting that the variant is a benign polymorphism found primarily in populations of African or African-American origin. To our knowledge, no occurrence of c.71615G>A in individuals affected with Cardiomyopathy and no experimental evidence demonstrating its impact on protein function have been reported. Four clinical diagnostic laboratories have submitted clinical-significance assessments for this variant to ClinVar after 2014 without evidence for independent evaluation. All laboratories classified the variant as benign. Based on the evidence outlined above, the variant was classified as benign.

Center for Advanced Laboratory Medicine, UC San Diego Health, University of California San Diego
Classification: Benign for Cardiomyopathy. Last evaluated: 2019-01-24. Review status: criteria provided, single submitter. Criteria: ACMG Guidelines, 2015. Collection method: clinical testing. Allele origin: germline. Affected: yes. Observed: 4 variant alleles.

CHEO Genetics Diagnostic Laboratory, Children's Hospital of Eastern Ontario
Classification: Benign for Cardiomyopathy. Last evaluated: 2017-10-17. Review status: criteria provided, single submitter. Criteria: ACMG Guidelines, 2015. Collection method: clinical testing. Allele origin: germline. Study: Canadian Open Genetics Repository.

Illumina Laboratory Services, Illumina
Classification: Benign for Dilated cardiomyopathy 1G. Last evaluated: 2017-04-27. Review status: criteria provided, single submitter. Criteria: ICSL Variant Classification Criteria 13 December 2019. Collection method: clinical testing. Allele origin: germline.
Comment: This variant was observed as part of a predisposition screen in an ostensibly healthy population. A literature search was performed for the gene, cDNA change, and amino acid change (where applicable). No publications were found based on this search. Allele frequency data from public databases was too high to be consistent with this variant causing disease. Therefore, this variant is classified as benign.

Illumina Laboratory Services, Illumina
Classification: Benign for Tibial muscular dystrophy. Last evaluated: 2017-04-27. Review status: criteria provided, single submitter. Criteria: ICSL Variant Classification Criteria 13 December 2019. Collection method: clinical testing. Allele origin: germline.
Comment: the same text as in the submission from Illumina Laboratory Services, Illumina above.

Illumina Laboratory Services, Illumina
Classification: Uncertain significance for Early-onset myopathy with fatal cardiomyopathy. Last evaluated: 2017-04-27. Review status: criteria provided, single submitter. Criteria: ICSL Variant Classification Criteria 13 December 2019. Collection method: clinical testing. Allele origin: germline.

Illumina Laboratory Services, Illumina
Classification: Benign for Myopathy, myofibrillar, 9, with early respiratory failure. Last evaluated: 2017-04-27. Review status: criteria provided, single submitter. Criteria: ICSL Variant Classification Criteria 13 December 2019. Collection method: clinical testing. Allele origin: germline.
Comment: the same text as in the submission from Illumina Laboratory Services, Illumina above.

Illumina Laboratory Services, Illumina
Classification: Likely benign for Autosomal recessive limb-girdle muscular dystrophy type 2J. Last evaluated: 2017-04-27. Review status: criteria provided, single submitter. Criteria: ICSL Variant Classification Criteria 13 December 2019. Collection method: clinical testing. Allele origin: germline.
Comment: This variant was observed as part of a predisposition screen in an ostensibly healthy population. A literature search was performed for the gene, cDNA change, and amino acid change (where applicable). No publications were found based on this search. Allele frequency data from public databases allowed determination this variant is unlikely to cause disease. Therefore, this variant is classified as likely benign.

Athena Diagnostics
Classification: Benign. Last evaluated: 2017-04-21. Review status: criteria provided, single submitter. Criteria: Athena Diagnostics Criteria. Collection method: clinical testing. Allele origin: germline.

Mayo Clinic Laboratories, Mayo Clinic
Classification: Benign. Last evaluated: 2016-02-23. Review status: criteria provided, single submitter. Criteria: ACMG Guidelines, 2015. Collection method: clinical testing. Allele origin: germline. Observed: 9 variant alleles.

GeneDx
Classification: Benign. Last evaluated: 2014-05-01. Review status: criteria provided, single submitter. Criteria: GeneDx Variant Classification (06012015). Collection method: clinical testing. Allele origin: germline. Affected: yes.
Comment: This variant is considered likely benign or benign based on one or more of the following criteria: it is a conservative change, it occurs at a poorly conserved position in the protein, it is predicted to be benign by multiple in silico algorithms, and/or has population frequency not consistent with disease.

Ambry Genetics
Classification: Benign for Cardiovascular phenotype. Last evaluated: 2013-07-19. Review status: criteria provided, single submitter. Criteria: Ambry Autosomal Dominant and X-Linked criteria (10/2015). Collection method: clinical testing. Allele origin: germline. Observed: 1 variant allele.

Biesecker Lab/Clinical Genomics Section, National Institutes of Health
Classification: Benign. Last evaluated: 2013-06-24. Review status: criteria provided, single submitter. Criteria: Ng et al. (Circ Cardiovasc Genet. 2013). Collection method: research. Allele origin: unknown. Observed: 1 variant allele. Study: ClinSeq.
Comment: The study set was not selected for affection status in relation to any cancer. Pathogenicity categories were based on literature curation. See Pubmed ID:23861362 for details.

Medical sequencing

Laboratory for Molecular Medicine, Mass General Brigham Personalized Medicine
Classification: Benign. Last evaluated: 2012-03-02. Review status: criteria provided, single submitter. Criteria: LMM Criteria. Collection method: clinical testing. Allele origin: germline. Observed: 16 variant alleles.
Comment: Arg23872His in exon 275 of TTN: This variant is not expected to have clinical si gnificance because it has been identified in 1.6% (48/3030) of African American chromosomes from a broad population by the NHLBI Exome Sequencing Project (dbSNP rs56044609).

PreventionGenetics, part of Exact Sciences
Classification: Benign for TTN-related condition. Last evaluated: 2019-05-29. Review status: no assertion criteria provided. Collection method: clinical testing. Allele origin: germline. Not counted in ClinVar's aggregate classification.
Comment: This variant is classified as benign based on ACMG/AMP sequence variant interpretation guidelines (Richards et al. 2015 PMID: 25741868, with internal and published modifications).

Clinical Genetics DNA and cytogenetics Diagnostics Lab, Erasmus MC, Erasmus Medical Center
Classification: Benign. Review status: no assertion criteria provided. Collection method: clinical testing. Allele origin: germline. Affected: yes. Study: VKGL Data-share Consensus. Not counted in ClinVar's aggregate classification.

Clinical Genetics, Academic Medical Center
Classification: Benign. Review status: no assertion criteria provided. Collection method: clinical testing. Allele origin: germline. Affected: yes. Study: VKGL Data-share Consensus. Not counted in ClinVar's aggregate classification.

Genetic Services Laboratory, University of Chicago
Classification: Likely benign for AllHighlyPenetrant. Review status: no assertion criteria provided. Collection method: clinical testing. Allele origin: germline. Not counted in ClinVar's aggregate classification.
Comment: Likely benign based on allele frequency in 1000 Genomes Project or ESP global frequency and its presence in a patient with a rare or unrelated disease phenotype. NOT Sanger confirmed.

Laboratory of Diagnostic Genome Analysis, Leiden University Medical Center (LUMC)
Classification: Likely benign. Review status: no assertion criteria provided. Collection method: clinical testing. Allele origin: germline. Affected: yes. Study: VKGL Data-share Consensus. Not counted in ClinVar's aggregate classification.

NM_001267550.2(TTN):c.79319G>A (p.Arg26440His)

Genes: TTN-AS1 (TTN antisense RNA 1; plus strand), TTN (titin; minus strand). Cytogenetic location: 2q31.2.
Variant type: single nucleotide variant.
Coding change: c.79319G>A on transcript NM_001267550.2 (MANE Select); coding-DNA position 79319, G replaced by A.
Protein change: p.Arg26440His; replaces arginine 26440 with histidine.
Molecular consequence: missense variant.
Genome position (GRCh38, 1-based): chr2:178,566,813, C>T on the plus strand (G>A on the coding strand, the complement: TTN is on the minus strand). VCF-style: chr2-178566813-C-T. GRCh37 (hg19) VCF-style: chr2-179431540-C-T.
Other names: p.R24799H:CGC>CAC; p.Arg24799His; c.74396G>A, p.Arg24799His (NM_001256850.1); c.52124G>A, p.Arg17375His (NM_003319.4); c.71615G>A, p.Arg23872His (NM_133378.4); c.52499G>A, p.Arg17500His (NM_133432.3); c.52700G>A, p.Arg17567His (NM_133437.4); short protein forms R26440H, R23872H, R24799H, R17567H, R17375H, R17500H.
Identifiers: ClinVar variation 47375 (VCV000047375.47), dbSNP rs56044609, ClinGen allele CA283828.